The following is an entry in ClinVar:

NM_020191.4(MRPS22):c.1025T>C (p.Ile342Thr)

Gene: MRPS22 (mitochondrial ribosomal protein S22; plus strand). Cytogenetic location: 3q23.
Variant type: single nucleotide variant.
Coding change: c.1025T>C on transcript NM_020191.4 (MANE Select); coding-DNA position 1025, T replaced by C.
Protein change: p.Ile342Thr; replaces isoleucine 342 with threonine.
Molecular consequence: missense variant.
Genome position (GRCh38, 1-based): chr3:139,356,956, T>C. VCF-style: chr3-139356956-T-C. GRCh37 (hg19) VCF-style: chr3-139075798-T-C.
Other names: c.902T>C, p.Ile301Thr (NM_001363857.1); c.1022T>C, p.Ile341Thr (NM_001363893.1); short protein forms I342T, I301T, I341T.
Identifiers: ClinVar variation 1475107 (VCV001475107.8), dbSNP rs11556240, ClinGen allele CA83996479.

ClinVar aggregate classification (germline): Uncertain significance (1 of 4 stars; one submission).

gnomAD v4.1: 1 of 1,613,320 alleles (0.000062%); highest among the groups gnomAD compares: Non-Finnish European, 0.000085%; no homozygotes.

Submission:

Labcorp Genetics (formerly Invitae), Labcorp
Classification: Uncertain significance. Last evaluated: 2022-08-16. Review status: criteria provided, single submitter. Criteria: Invitae Variant Classification Sherloc (09022015). Collection method: clinical testing. Allele origin: germline.
Comment: This variant has not been reported in the literature in individuals affected with MRPS22-related conditions. This variant is not present in population databases (gnomAD no frequency). This sequence change replaces isoleucine, which is neutral and non-polar, with threonine, which is neutral and polar, at codon 342 of the MRPS22 protein (p.Ile342Thr). ClinVar contains an entry for this variant (Variation ID: 1475107). In summary, the available evidence is currently insufficient to determine the role of this variant in disease. Therefore, it has been classified as a Variant of Uncertain Significance. Algorithms developed to predict the effect of missense changes on protein structure and function are either unavailable or do not agree on the potential impact of this missense change (SIFT: "Tolerated"; PolyPhen-2: "Possibly Damaging"; Align-GVGD: "Class C0").